The following is an entry in ClinVar:

ClinVar aggregate classification (germline): Conflicting classifications of pathogenicity. Review status: criteria provided, conflicting classifications (1 of 4 stars). 4 submissions from 4 submitters: Uncertain significance (3); Likely benign (1). Last evaluated 2026-04-01.

Conditions:
Inborn genetic diseases. Identifiers: MedGen C0950123, MeSH D030342.
Cranioectodermal dysplasia 2 (CED2). Identifiers: Orphanet 1515, MedGen C3150874, MONDO:0013323, OMIM 613610.
Short-rib thoracic dysplasia 7 with or without polydactyly (SRTD7). Also called: Short rib polydactyly syndrome 5; SHORT-RIB THORACIC DYSPLASIA 7 WITH POLYDACTYLY. Identifiers: Orphanet 498497, Orphanet 93271, MedGen C3279792, MONDO:0013569, OMIM 614091.

Allele frequency attached by ClinVar (database versions not stated): ExAC 0.00004; gnomAD 0.00011 and 0.00013; ESP Exome Variant Server 0.00008; TOPMed 0.00019.
gnomAD v4.1: 37 of 1,614,020 alleles (0.0023%); highest among the groups gnomAD compares: African/African-American, 0.047%; no homozygotes.

Submissions (4):

GeneDx
Classification: Uncertain significance. Last evaluated: 2026-04-01. Review status: criteria provided, single submitter. Criteria: GeneDx Variant Classification Process June 2021. Collection method: clinical testing. Allele origin: germline.
Comment: In silico analysis suggests that this missense variant does not alter protein structure/function; Has not been previously published as pathogenic or benign to our knowledge

Labcorp Genetics (formerly Invitae), Labcorp
Classification: Likely benign for Cranioectodermal dysplasia 2; Short-rib thoracic dysplasia 7 with or without polydactyly. Last evaluated: 2024-12-09. Review status: criteria provided, single submitter. Criteria: Invitae Variant Classification Sherloc (09022015). Collection method: clinical testing. Allele origin: germline.

Ambry Genetics
Classification: Uncertain significance for Inborn genetic diseases. Last evaluated: 2024-08-15. Review status: criteria provided, single submitter. Criteria: Ambry Variant Classification Scheme 2023. Collection method: clinical testing. Allele origin: germline.

Fulgent Genetics
Classification: Uncertain significance for Cranioectodermal dysplasia 2; Short-rib thoracic dysplasia 7 with or without polydactyly. Last evaluated: 2024-05-18. Review status: criteria provided, single submitter. Criteria: ACMG Guidelines, 2015. Collection method: clinical testing. Allele origin: germline.

NM_020779.4(WDR35):c.3349A>G (p.Ser1117Gly)

Gene: WDR35 (WD repeat domain 35; minus strand). Cytogenetic location: 2p24.1.
Variant type: single nucleotide variant.
Coding change: c.3349A>G on transcript NM_020779.4 (MANE Select); coding-DNA position 3349, A replaced by G.
Protein change: p.Ser1117Gly; replaces serine 1117 with glycine.
Molecular consequence: missense variant.
Genome position (GRCh38, 1-based): chr2:19,914,050, T>C on the plus strand (A>G on the coding strand, the complement: WDR35 is on the minus strand). VCF-style: chr2-19914050-T-C. GRCh37 (hg19) VCF-style: chr2-20113811-T-C.
Other names: c.3382A>G (NM_001006657.1); c.3382A>G, p.Ser1128Gly (NM_001006657.2); short protein forms S1117G, S1128G.
Identifiers: ClinVar variation 1397015 (VCV001397015.10), dbSNP rs369515554, ClinGen allele CA1542692.